The following is an entry in ClinVar:

NM_001372.4(DNAH9):c.10382G>A (p.Arg3461His)

Genes: DNAH9 (dynein axonemal heavy chain 9; plus strand), LOC101928350 (uncharacterized LOC101928350; minus strand). Cytogenetic location: 17p12.
Variant type: single nucleotide variant.
Coding change: c.10382G>A on transcript NM_001372.4 (MANE Select); coding-DNA position 10382, G replaced by A.
Protein change: p.Arg3461His; replaces arginine 3461 with histidine.
Molecular consequence: missense variant. On other transcripts: non-coding transcript variant (1).
Genome position (GRCh38, 1-based): chr17:11,875,088, G>A. VCF-style: chr17-11875088-G-A. GRCh37 (hg19) VCF-style: chr17-11778405-G-A.
Other names: short protein forms R3461H.
Identifiers: ClinVar variation 3084198 (VCV003084198.3), dbSNP rs754932973, ClinGen allele CA8397498.
Genomic context (GRCh38, chr17:11,875,088, plus strand): 5'-AGGGCCTCCCAGCCGACCGCATGTCCGTGGAGAATGCCACCATTCTCATCAACTGTGAGC[G>A]CTGGCCACTCATGGTTGACCCTCAGCTACAAGGCATCAAATGGATCAAGAATAAATATGG-3'
Protein context (NP_001363.2, residues 3451-3471): ENATILINCE[Arg3461His]WPLMVDPQLQ

ClinVar aggregate classification (germline): Uncertain significance. Review status: criteria provided, multiple submitters, no conflicts (2 of 4 stars). 2 submissions from 2 submitters: Uncertain significance (2). Last evaluated 2025-12-22.

Conditions:
Inborn genetic diseases. Identifiers: MedGen C0950123, MeSH D030342.

Allele frequency attached by ClinVar (database versions not stated): gnomAD exomes 0.00002; ExAC 0.00004; gnomAD 0.00007; TOPMed 0.00009.
gnomAD v4.1: 43 of 1,614,048 alleles (0.0027%); highest among the groups gnomAD compares: African/African-American, 0.021%; no homozygotes.

Submissions (2):

Labcorp Genetics (formerly Invitae), Labcorp
Classification: Uncertain significance. Last evaluated: 2025-12-22. Review status: criteria provided, single submitter. Criteria: Invitae Variant Classification Sherloc (09022015). Collection method: clinical testing. Allele origin: germline.
Comment: This sequence change replaces arginine, which is basic and polar, with histidine, which is basic and polar, at codon 3461 of the DNAH9 protein (p.Arg3461His). This variant is present in population databases (rs754932973, gnomAD 0.03%). This variant has not been reported in the literature in individuals affected with DNAH9-related conditions. ClinVar contains an entry for this variant (Variation ID: 3084198). Invitae Evidence Modeling of protein sequence and biophysical properties (such as structural, functional, and spatial information, amino acid conservation, physicochemical variation, residue mobility, and thermodynamic stability) indicates that this missense variant is expected to disrupt DNAH9 protein function with a positive predictive value of 80%. In summary, the available evidence is currently insufficient to determine the role of this variant in disease. Therefore, it has been classified as a Variant of Uncertain Significance.

Ambry Genetics
Classification: Uncertain significance for Inborn genetic diseases. Last evaluated: 2025-01-03. Review status: criteria provided, single submitter. Criteria: Ambry Variant Classification Scheme 2023. Collection method: clinical testing. Allele origin: germline.